The following is an entry in ClinVar:

NM_005359.6(SMAD4):c.1225G>A (p.Val409Ile)

Gene: SMAD4 (SMAD family member 4; plus strand). Cytogenetic location: 18q21.2.
Variant type: single nucleotide variant.
Coding change: c.1225G>A on transcript NM_005359.6 (MANE Select); coding-DNA position 1225, G replaced by A.
Protein change: p.Val409Ile; replaces valine 409 with isoleucine.
Molecular consequence: missense variant.
Genome position (GRCh38, 1-based): chr18:51,067,104, G>A. VCF-style: chr18-51067104-G-A. GRCh37 (hg19) VCF-style: chr18-48593474-G-A.
Other names: c.1225G>A, p.Val409Ile (NM_001407041.1, NM_001407042.1); short protein forms V409I.
Identifiers: ClinVar variation 1754163 (VCV001754163.2), dbSNP rs2144452339, ClinGen allele CA402464897.
Genomic context (GRCh38, chr18:51,067,104, plus strand): 5'-TTGGAATGTAAAGGTGAAGGTGATGTTTGGGTCAGGTGCCTTAGTGACCACGCGGTCTTT[G>A]TACAGAGTTACTACTTAGACAGAGAAGCTGGGCGTGCACCTGGAGATGCTGTTCATAAGA-3'
Protein context (NP_005350.1, residues 399-419): VRCLSDHAVF[Val409Ile]QSYYLDREAG

ClinVar aggregate classification (germline): Uncertain significance (1 of 4 stars; one submission).

Conditions:
Familial thoracic aortic aneurysm and aortic dissection (TAAD). Also called: Thoracic aortic aneurysms and dissections. Identifiers: Orphanet 91387, MedGen C4707243, MONDO:0019625.
Hereditary cancer-predisposing syndrome. Also called: Neoplastic Syndromes, Hereditary; Tumor predisposition; Hereditary Cancer Syndrome; Hereditary neoplastic syndrome. Identifiers: Orphanet 140162, MedGen C0027672, MeSH D009386, MONDO:0015356.

Submission:

Ambry Genetics
Classification: Uncertain significance for Hereditary cancer-predisposing syndrome; Familial thoracic aortic aneurysm and aortic dissection. Last evaluated: 2021-09-10. Review status: criteria provided, single submitter. Criteria: Ambry Variant Classification Scheme 2023. Collection method: clinical testing. Allele origin: germline.
Comment: The p.V409I variant (also known as c.1225G>A), located in coding exon 9 of the SMAD4 gene, results from a G to A substitution at nucleotide position 1225. The valine at codon 409 is replaced by isoleucine, an amino acid with highly similar properties. This amino acid position is highly conserved in available vertebrate species. In addition, this alteration is predicted to be deleterious by in silico analysis. Since supporting evidence is limited at this time, the clinical significance of this alteration remains unclear.